The following is an entry in ClinVar:

NM_007294.4(BRCA1):c.134+8T>C

Gene: BRCA1 (BRCA1 DNA repair associated; minus strand). Cytogenetic location: 17q21.31.
Variant type: single nucleotide variant.
Coding change: c.134+8T>C on transcript NM_007294.4 (MANE Select); 8 bases into the intron after coding-DNA position 134, T replaced by C.
Molecular consequence: intron variant.
Genome position (GRCh38, 1-based): chr17:43,115,718, A>G on the plus strand (T>C on the coding strand, the complement: BRCA1 is on the minus strand). VCF-style: chr17-43115718-A-G. GRCh37 (hg19) VCF-style: chr17-41267735-A-G.
Other names: c.-8+8T>C (NM_001408458.1, NM_001408470.1, NM_001407848.1 and 47 more transcripts); c.-219+9559T>C (NM_001407967.1); c.-170+9559T>C (NM_001407959.1); c.-7-9185T>C (NM_001407931.1, NM_001407747.1, NM_001408511.1 and 2 more transcripts); c.-170+8T>C (NM_001407962.1, NM_001408512.1, NM_001408510.1 and 1 more transcripts); c.-55+8T>C (NM_001407885.1, NM_001407886.1, NM_001408509.1 and 52 more transcripts); c.-124+8T>C (NM_001407746.1, NM_001408468.1, NM_001407842.1 and 13 more transcripts); c.-8+8299T>C (NM_001408461.1, NM_001407738.1, NM_001407932.1 and 23 more transcripts); and 10 more.
Identifiers: ClinVar variation 868181 (VCV000868181.3), dbSNP rs2055241049, ClinGen allele CA916080991.
Genomic context (GRCh38, chr17:43,115,718, plus strand): 5'-TGTTTCCTGGGTTATGAAGGACAAAAACAAAAGCTAATAATGGAGCCACATAACACATTC[A>G]AACTTACTTGCAAAATATGTGGTCACACTTTGTGGAGACAGGTTCCTTGATCAACTCCAG-3'

Conditions:
Breast-ovarian cancer, familial, susceptibility to, 1 (BROVCA1). Also called: BRCA1 Hereditary Breast and Ovarian Cancer; OVARIAN CANCER, SUSCEPTIBILITY TO. Identifiers: Orphanet 145, MedGen C2676676, MONDO:0011450, OMIM 604370. Disease mechanism: loss of function.

Submission:

Brotman Baty Institute, University of Washington
No classification provided (evidence only). Condition: Breast-ovarian cancer, familial 1. Review status: no classification provided. Collection method: in vitro. Allele origin: not applicable. Functional consequence: functionally_normal.
ClinVar note: "not provided" was previously submitted as the classification for the variant. However, the classification appeared to be based only on an observation of functional data so it was converted to no classification on 2025-07-30.